The following is an entry in ClinVar:

ClinVar aggregate classification (germline): Uncertain significance (1 of 4 stars; one submission).

Allele frequency attached by ClinVar (database versions not stated): gnomAD exomes below 0.00001.
gnomAD v4.1: 2 of 1,613,258 alleles (0.00012%); highest among the groups gnomAD compares: Non-Finnish European, 0.00017%; no homozygotes.

Submission:

GeneDx
Classification: Uncertain significance. Last evaluated: 2019-04-26. Review status: criteria provided, single submitter. Criteria: GeneDx Variant Classification Process June 2021. Collection method: clinical testing. Allele origin: germline. Affected: yes.
Comment: Not observed in large population cohorts (Lek et al., 2016); In-silico analysis, which includes splice predictors and evolutionary conservation, is inconclusive as to whether the variant alters gene splicing. In the absence of RNA/functional studies, the actual effect of this sequence change is unknown.; Has not been previously published as pathogenic or benign to our knowledge

NM_006939.4(SOS2):c.214-8T>C

Gene: SOS2 (SOS Ras/Rho guanine nucleotide exchange factor 2; minus strand). Cytogenetic location: 14q21.3.
Variant type: single nucleotide variant.
Coding change: c.214-8T>C on transcript NM_006939.4 (MANE Select); 8 bases into the intron before coding-DNA position 214, T replaced by C.
Molecular consequence: intron variant.
Genome position (GRCh38, 1-based): chr14:50,201,092, A>G on the plus strand (T>C on the coding strand, the complement: SOS2 is on the minus strand). VCF-style: chr14-50201092-A-G. GRCh37 (hg19) VCF-style: chr14-50667810-A-G.
Identifiers: ClinVar variation 1305475 (VCV001305475.2), dbSNP rs1886471396, ClinGen allele CA2136095522.
Genomic context (GRCh38, chr14:50,201,092, plus strand): 5'-TCAGCAATGGCCCATTTATCAATTGGGTGAGGAAAGGTCTTCTGAACTCGCTCCTGCTCA[A>G]TCACAGCAGAACCATTGTAGTATTAATAAAAGTGTTCATAAATAGGAAATTCATACAAAA-3'